The following is an entry in ClinVar:

NM_001267550.2(TTN):c.78322C>T (p.Gln26108Ter)

Genes: TTN (titin; minus strand), TTN-AS1 (TTN antisense RNA 1; plus strand). Cytogenetic location: 2q31.2.
Variant type: single nucleotide variant.
Coding change: c.78322C>T on transcript NM_001267550.2 (MANE Select); coding-DNA position 78322, C replaced by T.
Protein change: p.Gln26108Ter; replaces glutamine 26108 with a stop codon.
Molecular consequence: nonsense.
Genome position (GRCh38, 1-based): chr2:178,567,810, G>A on the plus strand (C>T on the coding strand, the complement: TTN is on the minus strand). VCF-style: chr2-178567810-G-A. GRCh37 (hg19) VCF-style: chr2-179432537-G-A.
Other names: c.73399C>T, p.Gln24467Ter (NM_001256850.1); c.51127C>T, p.Gln17043Ter (NM_003319.4); c.70618C>T, p.Gln23540Ter (NM_133378.4); c.51502C>T, p.Gln17168Ter (NM_133432.3); c.51703C>T, p.Gln17235Ter (NM_133437.4); short protein forms Q17043*, Q17235*, Q24467*, Q26108*, Q17168*, Q23540*.
Identifiers: ClinVar variation 3258071 (VCV003258071.1).

ClinVar aggregate classification (germline): Likely pathogenic (1 of 4 stars; one submission).

Conditions:
Dilated cardiomyopathy 1G (CMD1G). Identifiers: Orphanet 154, MedGen C1858763, MONDO:0011400, OMIM 604145.

Submission:

KardioGenetik, Herz- und Diabeteszentrum NRW
Classification: Likely pathogenic for Dilated cardiomyopathy 1G. Last evaluated: 2024-07-24. Review status: criteria provided, single submitter. Criteria: ACMG Guidelines, 2015. Collection method: clinical testing. Allele origin: unknown. Affected: yes. Observed: 1 variant allele.
Comment: PVS1, PM2